The following is an entry in ClinVar:

NC_000005.9:g.(?_39306699)_(39331936_?)dup

Gene: C9 (complement C9; minus strand). Cytogenetic location: 5p13.1.
Variant type: Duplication.
Identifiers: ClinVar variation 3246470 (VCV003246470.1).

ClinVar aggregate classification (germline): Likely pathogenic (1 of 4 stars; one submission).

Submission:

Labcorp Genetics (formerly Invitae), Labcorp
Classification: Likely pathogenic. Last evaluated: 2023-03-03. Review status: criteria provided, single submitter. Criteria: Invitae Variant Classification Sherloc (09022015). Collection method: clinical testing. Allele origin: unknown.
Comment: This variant results in a copy number gain of the genomic region encompassing exon(s) 5-9 of the C9 gene. While the exact position of this variant cannot be determined from the data, sub-genic copy number gains are generally in tandem (PMID: 25640679). This variant is predicted to be out-of-frame, and may result in an absent or disrupted protein product. Loss-of-function variants in C9 are known to be pathogenic (PMID: 9144525, 9570574). In summary, the currently available evidence indicates that the variant is pathogenic, but additional data are needed to prove that conclusively. Therefore, this variant has been classified as Likely Pathogenic. This variant has not been reported in the literature in individuals affected with C9-related conditions.

Literature cited by the submitters: PubMed 25640679; PubMed 9144525; PubMed 9570574.